The following is an entry in ClinVar:

NM_000059.4(BRCA2):c.-51C>T

Genes: BRCA2 (BRCA2 DNA repair associated; plus strand), LOC106721785 (BRCA2 promoter/silencer region; plus strand). Cytogenetic location: 13q13.1.
Variant type: single nucleotide variant.
Coding change: c.-51C>T on transcript NM_000059.4 (MANE Select); 51 bases upstream of the start codon, C replaced by T.
Molecular consequence: 5 prime UTR variant.
Genome position (GRCh38, 1-based): chr13:32,315,656, C>T. VCF-style: chr13-32315656-C-T. GRCh37 (hg19) VCF-style: chr13-32889793-C-T.
Identifiers: ClinVar variation 384062 (VCV000384062.10), dbSNP rs1057521841, ClinGen allele CA16606763.
Genomic context (GRCh38, chr13:32,315,656, plus strand): 5'-GGGACAGATTTGTGACCGGCGCGGTTTTTGTCAGCTTACTCCGGCCAAAAAAGAACTGCA[C>T]CTCTGGAGCGGGTTAGTGGTGGTGGTAGTGGGTTGGGACGAGCGCGTCTTCCGCAGTCCC-3'

ClinVar aggregate classification (germline): Conflicting classifications of pathogenicity. Review status: criteria provided, conflicting classifications (1 of 4 stars). 3 submissions from 3 submitters: Uncertain significance (2); Likely benign (1). Last evaluated 2025-10-01.

Conditions:
Hereditary breast ovarian cancer syndrome. Also called: Hereditary breast and ovarian cancer syndrome; Hereditary breast and ovarian cancer; Breast and ovarian cancer; BRCA1- and BRCA2-Associated Hereditary Breast and Ovarian Cancer; Hereditary breast and/or ovarian cancer syndrome; Hereditary breast and ovarian cancer syndrome (HBOC). Identifiers: Orphanet 145, MedGen C0677776, MeSH D061325, MONDO:0003582. Disease mechanism: loss of function.

Submissions (3):

Labcorp Genetics (formerly Invitae), Labcorp
Classification: Uncertain significance for Hereditary breast ovarian cancer syndrome. Last evaluated: 2025-10-01. Review status: criteria provided, single submitter. Criteria: Invitae Variant Classification Sherloc (09022015). Collection method: clinical testing. Allele origin: germline.
Comment: This variant occurs in a non-coding region of the BRCA2 gene. It does not change the encoded amino acid sequence of the BRCA2 protein. This variant is not present in population databases (gnomAD no frequency). This variant has not been reported in the literature in individuals affected with BRCA2-related conditions. ClinVar contains an entry for this variant (Variation ID: 384062). Experimental studies and prediction algorithms are not available or were not evaluated, and the functional significance of this variant is currently unknown. In summary, the available evidence is currently insufficient to determine the role of this variant in disease. Therefore, it has been classified as a Variant of Uncertain Significance.

GeneDx
Classification: Likely benign. Last evaluated: 2017-10-13. Review status: criteria provided, single submitter. Criteria: GeneDx Variant Classification (06012015). Collection method: clinical testing. Allele origin: germline. Affected: yes.
Comment: This variant is considered likely benign or benign based on one or more of the following criteria: it is a conservative change, it occurs at a poorly conserved position in the protein, it is predicted to be benign by multiple in silico algorithms, and/or has population frequency not consistent with disease.

Quest Diagnostics Nichols Institute San Juan Capistrano
Classification: Uncertain significance. Last evaluated: 2017-06-30. Review status: criteria provided, single submitter. Criteria: Quest Diagnostics criteria. Collection method: clinical testing. Allele origin: germline.